The following is an entry in ClinVar:

ClinVar aggregate classification (germline): Pathogenic/Likely pathogenic. Review status: criteria provided, multiple submitters, no conflicts (2 of 4 stars). 3 submissions from 3 submitters: Pathogenic (1); Likely pathogenic (2). Last evaluated 2024-05-08.

Conditions:
Retinitis pigmentosa 25 (RP25). Identifiers: Orphanet 791, MedGen C1864446, MONDO:0011272, OMIM 602772.
EYS-related disorder. Also called: EYS-related condition.

Submissions (3):

Fulgent Genetics
Classification: Likely pathogenic for Retinitis pigmentosa 25. Last evaluated: 2024-05-08. Review status: criteria provided, single submitter. Criteria: ACMG Guidelines, 2015. Collection method: clinical testing. Allele origin: germline.

Labcorp Genetics (formerly Invitae), Labcorp
Classification: Pathogenic. Last evaluated: 2023-12-05. Review status: criteria provided, single submitter. Criteria: Invitae Variant Classification Sherloc (09022015). Collection method: clinical testing. Allele origin: germline.
Comment: This sequence change creates a premature translational stop signal (p.Asn3015Ilefs*2) in the EYS gene. While this is not anticipated to result in nonsense mediated decay, it is expected to disrupt the last 130 amino acid(s) of the EYS protein. This variant is present in population databases (no rsID available, gnomAD 0.01%). This variant has not been reported in the literature in individuals affected with EYS-related conditions. This variant disrupts a region of the EYS protein in which other variant(s) (p.Tyr3135*) have been determined to be pathogenic (PMID: 18976725, 29159838, 30337596, 31074760). This suggests that this is a clinically significant region of the protein, and that variants that disrupt it are likely to be disease-causing. For these reasons, this variant has been classified as Pathogenic.

Blueprint Genetics
Classification: Likely pathogenic for EYS-related disorders. Last evaluated: 2022-10-11. Review status: criteria provided, single submitter. Criteria: ACMG Guidelines, 2015. Collection method: clinical testing. Allele origin: germline. Affected: yes. Observed: 1 variant allele.

Literature cited by the submitters: PubMed 18976725 (cited by Labcorp Genetics (formerly Invitae), Labcorp); PubMed 29159838 (cited by Labcorp Genetics (formerly Invitae), Labcorp); PubMed 30337596 (cited by Labcorp Genetics (formerly Invitae), Labcorp); PubMed 31074760 (cited by Labcorp Genetics (formerly Invitae), Labcorp).

NM_001142800.2(EYS):c.9043_9044insTATA (p.Asn3015delinsIleTer)

Genes: EYS (EGF-like photoreceptor maintenance factor; minus strand), PHF3 (PHD finger protein 3; plus strand). Cytogenetic location: 6q12.
Variant type: Microsatellite.
Coding change: c.9043_9044insTATA on transcript NM_001142800.2 (MANE Select); coding-DNA positions 9043 to 9044, TATA inserted.
Protein change: p.Asn3015delinsIleTer.
Molecular consequence: nonsense. On other transcripts: 3 prime UTR variant (5).
Genome position: GRCh38 VCF-style: chr6-63720987-T-TTATA. GRCh37 (hg19) VCF-style: chr6-64430883-T-TTATA.
Other names: c.*7281AT[3] (NM_001290259.2, NM_001370348.2, NM_001370349.2 and 2 more transcripts); c.9106_9107insTATA, p.Asn3036delinsIleTer (NM_001292009.2).
Identifiers: ClinVar variation 2098393 (VCV002098393.6), dbSNP rs1463096695, ClinGen allele CA568118942.
Genomic context (GRCh38, chr6:63,720,987, plus strand): 5'-TTATAGCTCATAGGCACAGAGATTCTTTCTCCCAAGTTAACTGCTATTTTCAAGGTCTGA[T>TTATA]TATGGAGACCAATTGCCAGAAAATCATTTTCTTCATTTTGAGCTATTCCCATCCATACAA-3'